The following is an entry in ClinVar:

ClinVar aggregate classification (germline): Uncertain significance (1 of 4 stars; one submission).

Submission:

Labcorp Genetics (formerly Invitae), Labcorp
Classification: Uncertain significance. Last evaluated: 2024-03-10. Review status: criteria provided, single submitter. Criteria: Invitae Variant Classification Sherloc (09022015). Collection method: clinical testing. Allele origin: germline.
Comment: This sequence change creates a premature translational stop signal (p.Glu1309*) in the FOCAD gene. It is expected to result in an absent or disrupted protein product. However, the current clinical and genetic evidence is not sufficient to establish whether loss-of-function variants in FOCAD cause disease. This variant is not present in population databases (gnomAD no frequency). This variant has not been reported in the literature in individuals affected with FOCAD-related conditions. Algorithms developed to predict the effect of sequence changes on RNA splicing suggest that this variant may disrupt the consensus splice site. In summary, the available evidence is currently insufficient to determine the role of this variant in disease. Therefore, it has been classified as a Variant of Uncertain Significance.

NM_001375567.1(FOCAD):c.3925G>T (p.Glu1309Ter)

Gene: FOCAD (focadhesin; plus strand). Cytogenetic location: 9p21.3.
Variant type: single nucleotide variant.
Coding change: c.3925G>T on transcript NM_001375567.1 (MANE Select); coding-DNA position 3925, G replaced by T.
Protein change: p.Glu1309Ter; replaces glutamic acid 1309 with a stop codon.
Molecular consequence: nonsense.
Genome position (GRCh38, 1-based): chr9:20,949,652, G>T. VCF-style: chr9-20949652-G-T. GRCh37 (hg19) VCF-style: chr9-20949651-G-T.
Other names: c.3820G>T, p.Glu1274Ter (NM_001375568.1, NM_001375570.1); c.3925G>T, p.Glu1309Ter (NM_017794.5); short protein forms E1274*, E1309*.
Identifiers: ClinVar variation 3645270 (VCV003645270.2).